The following is an entry in ClinVar:

NM_053025.4(MYLK):c.5720_5731del (p.1905GE[1])

Genes: MYLK (myosin light chain kinase; minus strand), MYLK-AS1 (MYLK antisense RNA 1; plus strand). Cytogenetic location: 3q21.1.
Variant type: Deletion.
Coding change: c.5720_5731del on transcript NM_053025.4 (MANE Select); coding-DNA positions 5720 to 5731, 12 bases deleted (GGGAAGGGGAAG).
Protein change: p.1905GE[1].
Molecular consequence: inframe deletion.
Genome position (GRCh38, 1-based): chr3:123,614,119-123,614,130, CTTCCCCTTCCC deleted on the plus strand (GGGAAGGGGAAG on the coding strand, the reverse complement: MYLK is on the minus strand); deleting any 12 consecutive bases within chr3:123,614,119-123,614,134 gives the same sequence; the c. name uses the placement nearest the transcript's 3' end. VCF-style (leftmost placement, unchanged base first): chr3-123614118-TCTTCCCCTTCCC-T. GRCh37 (hg19) VCF-style: chr3-123332965-TCTTCCCCTTCCC-T.
Other names: c.5192_5203del, p.1729GE[1] (NM_001321309.2); c.5513_5524del, p.1836GE[1] (NM_053026.4); c.5567_5578del, p.1854GE[1] (NM_053027.4); c.5360_5371del, p.1785GE[1] (NM_053028.4); c.437_448del, p.144GE[1] (NM_053031.4); c.440_451del, p.145GE[1] (NM_053032.4); c.5720_5731del (NM_053025.3).
Identifiers: ClinVar variation 1514473 (VCV001514473.7), dbSNP rs781353257, ClinGen allele CA546015078.

ClinVar aggregate classification (germline): Uncertain significance. Review status: criteria provided, multiple submitters, no conflicts (2 of 4 stars). 2 submissions from 2 submitters: Uncertain significance (2). Last evaluated 2026-04-05.

Conditions:
Aortic aneurysm, familial thoracic 7 (AAT7). Also called: AORTIC DISSECTION, FAMILIAL, WITH OR WITHOUT AORTIC ANEURYSM. Identifiers: MedGen C3151077, MONDO:0013418, OMIM 613780.

Submissions (2):

GeneDx
Classification: Uncertain significance. Last evaluated: 2026-04-05. Review status: criteria provided, single submitter. Criteria: GeneDx Variant Classification Process June 2021. Collection method: clinical testing. Allele origin: germline.
Comment: Not observed at significant frequency in large population cohorts (gnomAD); In-frame deletion of 4 amino acids in a non-repeat region; In silico analysis supports a deleterious effect on protein structure/function; Has not been previously published as pathogenic or benign to our knowledge

Labcorp Genetics (formerly Invitae), Labcorp
Classification: Uncertain significance for Aortic aneurysm, familial thoracic 7. Last evaluated: 2025-02-23. Review status: criteria provided, single submitter. Criteria: Invitae Variant Classification Sherloc (09022015). Collection method: clinical testing. Allele origin: germline.
Comment: This variant, c.5720_5731del, results in the deletion of 4 amino acid(s) of the MYLK protein (p.Gly1907_Glu1910del), but otherwise preserves the integrity of the reading frame. This variant is present in population databases (no rsID available, gnomAD 0.01%). This variant has not been reported in the literature in individuals affected with MYLK-related conditions. ClinVar contains an entry for this variant (Variation ID: 1514473). Experimental studies and prediction algorithms are not available or were not evaluated, and the functional significance of this variant is currently unknown. In summary, the available evidence is currently insufficient to determine the role of this variant in disease. Therefore, it has been classified as a Variant of Uncertain Significance.